The following is an entry in ClinVar:

NM_001374353.1(GLI2):c.621C>T (p.His207=)

Gene: GLI2 (GLI family zinc finger 2; plus strand). Cytogenetic location: 2q14.2.
Variant type: single nucleotide variant.
Coding change: c.621C>T on transcript NM_001374353.1 (MANE Select); coding-DNA position 621, C replaced by T.
Protein change: p.His207=; no amino-acid change (histidine 207 retained).
Molecular consequence: synonymous variant.
Genome position (GRCh38, 1-based): chr2:120,955,408, C>T. VCF-style: chr2-120955408-C-T. GRCh37 (hg19) VCF-style: chr2-121712984-C-T.
Other names: c.621C>T, p.His207= (NM_001371271.1, NM_005270.5); c.246C>T, p.His82= (NM_001374354.1); c.621C>T (NM_005270.4).
Identifiers: ClinVar variation 2927584 (VCV002927584.5), dbSNP rs767227926, ClinGen allele CA1851589.

ClinVar aggregate classification (germline): Likely benign. Review status: criteria provided, single submitter (1 of 4 stars). 2 submissions from 2 submitters: Likely benign (1). 1 of the submissions does not count toward it. Last evaluated 2025-06-12.

Conditions:
GLI2-related disorder. Also called: GLI2-related condition; GLI2-related disorders.
Postaxial polydactyly-anterior pituitary anomalies-facial dysmorphism syndrome. Also called: Culler-Jones syndrome. Identifiers: Orphanet 420584, MedGen C4014479, MONDO:0014369, OMIM 615849.
Holoprosencephaly 9 (HPE9). Also called: PITUITARY ANOMALIES WITH HOLOPROSENCEPHALY-LIKE FEATURES; HOLOPROSENCEPHALY WITH MICROPHTHALMIA AND FIRST BRANCHIAL ARCH ANOMALIES. Identifiers: Orphanet 2162, MedGen C1835819, MONDO:0012563, OMIM 610829.

Allele frequency attached by ClinVar (database versions not stated): gnomAD 0.00001.
gnomAD v4.1: 25 of 1,608,780 alleles (0.0016%); highest among the groups gnomAD compares: African/African-American, 0.0027%; no homozygotes.

Submissions (2):

Labcorp Genetics (formerly Invitae), Labcorp
Classification: Likely benign for Postaxial polydactyly-anterior pituitary anomalies-facial dysmorphism syndrome; Holoprosencephaly 9. Last evaluated: 2025-06-12. Review status: criteria provided, single submitter. Criteria: Invitae Variant Classification Sherloc (09022015). Collection method: clinical testing. Allele origin: germline.

PreventionGenetics, part of Exact Sciences
Classification: Likely benign for GLI2-related condition. Last evaluated: 2021-10-22. Review status: no assertion criteria provided. Collection method: clinical testing. Allele origin: germline. Not counted in ClinVar's aggregate classification.
Comment: This variant is classified as likely benign based on ACMG/AMP sequence variant interpretation guidelines (Richards et al. 2015 PMID: 25741868, with internal and published modifications).